The following is an entry in ClinVar:

NM_138477.4(CDAN1):c.2868+1G>A

Gene: CDAN1 (codanin 1; minus strand). Cytogenetic location: 15q15.2.
Variant type: single nucleotide variant.
Coding change: c.2868+1G>A on transcript NM_138477.4 (MANE Select); the canonical splice donor site of the intron after coding-DNA position 2868, G replaced by A.
Molecular consequence: splice donor variant.
Genome position (GRCh38, 1-based): chr15:42,728,203, C>T on the plus strand (G>A on the coding strand, the complement: CDAN1 is on the minus strand). VCF-style: chr15-42728203-C-T. GRCh37 (hg19) VCF-style: chr15-43020401-C-T.
Identifiers: ClinVar variation 2419482 (VCV002419482.8), dbSNP rs145148854, ClinGen allele CA7515428.

ClinVar aggregate classification (germline): Pathogenic (1 of 4 stars; one submission).

Allele frequency attached by ClinVar (database versions not stated): ExAC 0.00001.
gnomAD v4.1: 6 of 1,613,318 alleles (0.00037%); highest among the groups gnomAD compares: African/African-American, 0.0027%; no homozygotes.

Submissions (2):

Labcorp Genetics (formerly Invitae), Labcorp
Classification: Pathogenic. Last evaluated: 2022-11-23. Review status: criteria provided, single submitter. Criteria: Invitae Variant Classification Sherloc (09022015). Collection method: clinical testing. Allele origin: germline.
Comment: This sequence change affects a donor splice site in intron 21 of the CDAN1 gene. It is expected to disrupt RNA splicing. Variants that disrupt the donor or acceptor splice site typically lead to a loss of protein function (PMID: 16199547), and loss-of-function variants in CDAN1 are known to be pathogenic (PMID: 16098079, 16141353). This variant is present in population databases (rs145148854, gnomAD 0.005%). Disruption of this splice site has been observed in individual(s) with congenital dyserythropoietic anemia (PMID: 29676459, 33401150). In at least one individual the data is consistent with being in trans (on the opposite chromosome) from a pathogenic variant. Algorithms developed to predict the effect of sequence changes on RNA splicing suggest that this variant may disrupt the consensus splice site. For these reasons, this variant has been classified as Pathogenic.

Dr. Peter K. Rogan Lab, Western University
No classification provided (evidence only). Condition: Uterine corpus endometrial carcinoma. Review status: no classification provided. Collection method: in vitro. Allele origin: not applicable. Functional consequence: retained intron. Not counted in ClinVar's aggregate classification.

Literature cited by the submitters: PubMed 16199547 (cited by Labcorp Genetics (formerly Invitae), Labcorp); PubMed 16098079 (cited by Labcorp Genetics (formerly Invitae), Labcorp); PubMed 16141353 (cited by Labcorp Genetics (formerly Invitae), Labcorp); PubMed 29676459 (cited by Labcorp Genetics (formerly Invitae), Labcorp); PubMed 33401150 (cited by Labcorp Genetics (formerly Invitae), Labcorp).